The following is an entry in ClinVar:

NM_016151.4(TAOK2):c.2907GCT[3] (p.Leu973_Leu974del)

Gene: TAOK2 (TAO kinase 2; plus strand). Cytogenetic location: 16p11.2.
Variant type: Microsatellite.
Coding change: c.2907GCT[3] on transcript NM_016151.4 (MANE Select); three copies in a row of the 3-base unit GCT starting at c.2907; the reference has five copies in a row; two copies, 6 bases deleted.
Protein change: p.Leu973_Leu974del.
Molecular consequence: intron variant (on NM_004783.4).
Genome position (GRCh38, 1-based): chr16:29,987,188-29,987,193, GCTGCT deleted; deleting any 6 consecutive bases within chr16:29,987,177-29,987,193 gives the same sequence; the position shown is the placement nearest the transcript's 3' end. VCF-style (leftmost placement, unchanged base first): chr16-29987176-CCTGCTG-C. GRCh37 (hg19) VCF-style: chr16-29998497-CCTGCTG-C.
Other names: c.2568GCT[3], p.Leu860_Leu861del (NM_001252043.2); c.2232+673CTG[3] (NM_004783.4).
Identifiers: ClinVar variation 4775452 (VCV004775452.1).

ClinVar aggregate classification (germline): Uncertain significance (1 of 4 stars; one submission).

Submission:

Labcorp Genetics (formerly Invitae), Labcorp
Classification: Uncertain significance. Last evaluated: 2025-03-22. Review status: criteria provided, single submitter. Criteria: Invitae Variant Classification Sherloc (09022015). Collection method: clinical testing. Allele origin: germline.
Comment: This variant, c.2916_2921del, results in the deletion of 2 amino acid(s) of the TAOK2 protein (p.Leu973_Leu974del), but otherwise preserves the integrity of the reading frame. This variant is present in population databases (rs767026561, gnomAD 0.005%). This variant has not been reported in the literature in individuals affected with TAOK2-related conditions. Experimental studies and prediction algorithms are not available or were not evaluated, and the functional significance of this variant is currently unknown. In summary, the available evidence is currently insufficient to determine the role of this variant in disease. Therefore, it has been classified as a Variant of Uncertain Significance.